The following is an entry in ClinVar:

ClinVar aggregate classification (germline): Conflicting classifications of pathogenicity. Review status: criteria provided, conflicting classifications (1 of 4 stars). 3 submissions from 3 submitters: Uncertain significance (2); Benign (1). Last evaluated 2026-02-19.

Conditions:
Heterotopia, periventricular, X-linked dominant (PVNH1). Also called: PERIVENTRICULAR NODULAR HETEROTOPIA 4; HETEROTOPIA, PERIVENTRICULAR, 1; PERIVENTRICULAR NODULAR HETEROTOPIA 1; X-linked periventricular heterotopia. Identifiers: Orphanet 2149, Orphanet 82004, MedGen C1848213, MONDO:0010233, OMIM 300049.
Melnick-Needles syndrome (MNS). Also called: Melnick-Needles Syndrome (FLNA-MNS); MELNICK-NEEDLES OSTEODYSPLASTY; OSTEODYSPLASTY OF MELNICK AND NEEDLES. Identifiers: Orphanet 2484, MedGen C0025237, MONDO:0010650, OMIM 309350.
Frontometaphyseal dysplasia (FMD1). Identifiers: Orphanet 1826, MedGen C0265293, MONDO:0015942.
Oto-palato-digital syndrome, type II (OPD2). Also called: Otopalatodigital Syndrome Type 2 (FLNA-OPD2); Otopalatodigital Syndrome, Type II; FACIOPALATOOSSEOUS SYNDROME; OPD II SYNDROME. Identifiers: Orphanet 669, Orphanet 90652, MedGen C1844696, MONDO:0010571, OMIM 304120.
Familial thoracic aortic aneurysm and aortic dissection (TAAD). Also called: Thoracic aortic aneurysms and dissections. Identifiers: Orphanet 91387, MedGen C4707243, MONDO:0019625.

Allele frequency attached by ClinVar (database versions not stated): TOPMed 0.00003.
gnomAD v4.1: 3 of 1,209,675 alleles (0.00025%); highest among the groups gnomAD compares: African/African-American, 0.0053%; no homozygotes.

Submissions (3):

Ambry Genetics
Classification: Uncertain significance for Familial thoracic aortic aneurysm and aortic dissection. Last evaluated: 2026-02-19. Review status: criteria provided, single submitter. Criteria: Ambry Variant Classification Scheme 2023. Collection method: clinical testing. Allele origin: germline.
Comment: The p.D984E variant (also known as c.2952C>G), located in coding exon 20 of the FLNA gene, results from a C to G substitution at nucleotide position 2952. The aspartic acid at codon 984 is replaced by glutamic acid, an amino acid with highly similar properties. This amino acid position is conserved. In addition, this alteration is predicted to be tolerated by in silico analysis. Based on the available evidence, the clinical significance of this variant remains unclear.

Labcorp Genetics (formerly Invitae), Labcorp
Classification: Benign for Oto-palato-digital syndrome, type II; Heterotopia, periventricular, X-linked dominant; Frontometaphyseal dysplasia; Melnick-Needles syndrome. Last evaluated: 2023-06-27. Review status: criteria provided, single submitter. Criteria: Invitae Variant Classification Sherloc (09022015). Collection method: clinical testing. Allele origin: germline.

Eurofins Ntd Llc (ga)
Classification: Uncertain significance. Last evaluated: 2018-01-29. Review status: criteria provided, single submitter. Criteria: EGL Classification Definitions 2015. Collection method: clinical testing. Allele origin: germline. Observed: 1 variant allele, 1 heterozygote.

NM_001110556.2(FLNA):c.2952C>G (p.Asp984Glu)

Gene: FLNA (filamin A; minus strand). Cytogenetic location: Xq28.
Variant type: single nucleotide variant.
Coding change: c.2952C>G on transcript NM_001110556.2 (MANE Select); coding-DNA position 2952, C replaced by G.
Protein change: p.Asp984Glu; replaces aspartic acid 984 with glutamic acid.
Molecular consequence: missense variant.
Genome position (GRCh38, 1-based): chrX:154,361,563, G>C on the plus strand (C>G on the coding strand, the complement: FLNA is on the minus strand). VCF-style: chrX-154361563-G-C. GRCh37 (hg19) VCF-style: chrX-153589931-G-C.
Other names: c.2952C>G, p.Asp984Glu (NM_001456.4); c.2952C>G (NM_001456.3); short protein forms D984E.
Identifiers: ClinVar variation 595947 (VCV000595947.9), dbSNP rs782513930, ClinGen allele CA10560795.